The following is an entry in ClinVar:

ClinVar aggregate classification (germline): no classifications from unflagged records. Review status: no classifications from unflagged records (0 of 4 stars). 2 submissions from 2 submitters. Last evaluated 2024-04-25.

Conditions:
Autosomal recessive nonsyndromic hearing loss 44. Also called: Deafness, autosomal recessive 44. Identifiers: Orphanet 90636, MedGen C1857809, MONDO:0012421, OMIM 610154.

Allele frequency attached by ClinVar (database versions not stated): gnomAD exomes below 0.00001.
gnomAD v4.1: 1 of 780,792 alleles (0.00013%); highest among the groups gnomAD compares: South Asian, 0.0013%; no homozygotes.

Submissions (2):

Department of Molecular and Human Genetics, Baylor College of Medicine
Classification: Pathogenic for Deafness autosomal recessive 44; DFNB44. Last evaluated: 2014-11-20. Review status: flagged submission. Collection method: research. Allele origin: germline. Affected: yes.
ClinVar note: Notes: Flagging candidate with reason of insufficient supporting evidence. This gene has been classified as having a limited gene-disease relationship by a ClinGen Expert Panel.
ClinVar note: Reason: Other

OMIM
Classification: Pathogenic for DEAFNESS, AUTOSOMAL RECESSIVE 44 (1 family). Last evaluated: 2014-06-15. Review status: flagged submission. Collection method: literature only. Allele origin: germline.
ClinVar note: Notes: Flagging candidate with reason of insufficient supporting evidence. This gene has been classified as having a limited gene-disease relationship by a ClinGen Expert Panel.
ClinVar note: Reason: Other

Literature cited by the submitters: PubMed 24482543 (cited by Department of Molecular and Human Genetics, Baylor College of Medicine and OMIM); PubMed 24824130 (cited by Department of Molecular and Human Genetics, Baylor College of Medicine); PubMed 15583425 (cited by OMIM).

NM_021116.4(ADCY1):c.3112C>T (p.Arg1038Ter)

Gene: ADCY1 (adenylate cyclase 1; plus strand). Cytogenetic location: 7p12.3.
Variant type: single nucleotide variant.
Coding change: c.3112C>T on transcript NM_021116.4 (MANE Select); coding-DNA position 3112, C replaced by T.
Protein change: p.Arg1038Ter; replaces arginine 1038 with a stop codon.
Molecular consequence: nonsense.
Genome position (GRCh38, 1-based): chr7:45,713,747, C>T. VCF-style: chr7-45713747-C-T. GRCh37 (hg19) VCF-style: chr7-45753346-C-T.
Other names: short protein forms R1038*.
Identifiers: ClinVar variation 139587 (VCV000139587.1), dbSNP rs587777497, ClinGen allele CA163281.